The following is an entry in ClinVar:

ClinVar aggregate classification (germline): Uncertain significance (1 of 4 stars; one submission).

Submission:

Women's Health and Genetics/Laboratory Corporation of America, LabCorp
Classification: Uncertain significance. Last evaluated: 2024-02-19. Review status: criteria provided, single submitter. Criteria: LabCorp Variant Classification Summary - May 2015. Collection method: clinical testing. Allele origin: germline.
Comment: Variant summary: UQCRB c.19G>T (p.Val7Phe) results in a non-conservative amino acid change in the encoded protein sequence. Three of five in-silico tools predict a benign effect of the variant on protein function. The variant was absent in 251314 control chromosomes (gnomAD). The available data on variant occurrences in the general population are insufficient to allow any conclusion about variant significance. To our knowledge, no occurrence of c.19G>T in individuals affected with Mitochondrial Complex III Deficiency Nuclear Type 3 and no experimental evidence demonstrating its impact on protein function have been reported. No submitters have cited clinical-significance assessments for this variant to ClinVar. Based on the evidence outlined above, the variant was classified as uncertain significance.

NM_006294.5(UQCRB):c.19G>T (p.Val7Phe)

Genes: UQCRB (ubiquinol-cytochrome c reductase binding protein; minus strand), UQCRB-AS1 (UQCRB antisense RNA 1; plus strand), LOC130000789 (ATAC-STARR-seq lymphoblastoid active region 27659; plus strand). Cytogenetic location: 8q22.1.
Variant type: single nucleotide variant.
Coding change: c.19G>T on transcript NM_006294.5 (MANE Select); coding-DNA position 19, G replaced by T.
Protein change: p.Val7Phe; replaces valine 7 with phenylalanine.
Molecular consequence: missense variant. On other transcripts: non-coding transcript variant (3), 5 prime UTR variant (1).
Genome position (GRCh38, 1-based): chr8:96,235,512, C>A on the plus strand (G>T on the coding strand, the complement: UQCRB is on the minus strand). VCF-style: chr8-96235512-C-A. GRCh37 (hg19) VCF-style: chr8-97247740-C-A.
Other names: c.-192G>T (NM_001199975.3); c.19G>T, p.Val7Phe (NM_001254752.2); short protein forms V7F.
Identifiers: ClinVar variation 3069055 (VCV003069055.2), dbSNP rs372861296, ClinGen allele CA371757084.